The following is an entry in ClinVar:

ClinVar aggregate classification (germline): Likely pathogenic. Review status: criteria provided, multiple submitters, no conflicts (2 of 4 stars). 4 submissions from 4 submitters: Likely pathogenic (4). Last evaluated 2025-08-13.

Conditions:
Cardiovascular phenotype. Identifiers: MedGen CN230736.
Autosomal recessive limb-girdle muscular dystrophy type 2J (LGMDR10). Also called: MUSCULAR DYSTROPHY, LIMB-GIRDLE, AUTOSOMAL RECESSIVE 10; Limb-girdle muscular dystrophy, type 2J. Identifiers: Orphanet 140922, MedGen C1837342, MONDO:0012127, OMIM 608807.
Dilated cardiomyopathy 1G (CMD1G). Identifiers: Orphanet 154, MedGen C1858763, MONDO:0011400, OMIM 604145.

Submissions (4):

Labcorp Genetics (formerly Invitae), Labcorp
Classification: Likely pathogenic for Dilated cardiomyopathy 1G; Autosomal recessive limb-girdle muscular dystrophy type 2J. Last evaluated: 2025-08-13. Review status: criteria provided, single submitter. Criteria: Invitae Variant Classification Sherloc (09022015). Collection method: clinical testing. Allele origin: germline.
Comment: This sequence change creates a premature translational stop signal (p.Asn29099Ilefs*13) in the TTN gene. While this is not anticipated to result in nonsense mediated decay, it is expected to create a truncated TTN protein. This variant is not present in population databases (gnomAD no frequency). This premature translational stop signal has been observed in individual(s) with dilated cardiomyopathy (PMID: 28611029). ClinVar contains an entry for this variant (Variation ID: 2203218). This variant is located in the A band of TTN (PMID: 25589632). Truncating variants in this region are significantly overrepresented in patients affected with dilated cardiomyopathy (PMID: 25589632). Truncating variants in this region have also been reported in individuals affected with autosomal recessive centronuclear myopathy (PMID: 23975875). In summary, the currently available evidence indicates that the variant is pathogenic, but additional data are needed to prove that conclusively. Therefore, this variant has been classified as Likely Pathogenic.

GeneDx
Classification: Likely pathogenic. Last evaluated: 2024-10-03. Review status: criteria provided, single submitter. Criteria: GeneDx Variant Classification Process June 2021. Collection method: clinical testing. Allele origin: germline. Affected: yes.
Comment: Reported in a patient with cardiomyopathy (PMID: 28611029); Not observed at significant frequency in large population cohorts (gnomAD); Frameshift variant predicted to result in protein truncation or nonsense mediated decay in a gene for which loss of function is a known mechanism of disease; This variant is associated with the following publications: (PMID: 22335739, 28611029)

CeGaT Center for Human Genetics Tuebingen
Classification: Likely pathogenic. Last evaluated: 2024-04-01. Review status: criteria provided, single submitter. Criteria: CeGaT Center For Human Genetics Tuebingen Variant Classification Criteria Version 2. Collection method: clinical testing. Allele origin: germline. Affected: yes. Observed: 1 variant allele.
Comment: TTN: PVS1:Strong, PM2, PS4:Supporting

Ambry Genetics
Classification: Likely pathogenic for Cardiovascular phenotype. Last evaluated: 2023-01-08. Review status: criteria provided, single submitter. Criteria: Ambry Variant Classification Scheme 2023. Collection method: clinical testing. Allele origin: germline.
Comment: The c.60100_60101insT variant, located in coding exon 155 of the TTN gene, results from an insertion of one nucleotide at position 60100, causing a translational frameshift with a predicted alternate stop codon (p.N20034Ifs*13). This exon is located in the A-band region of the N2-B isoform of the titin protein and is constitutively expressed in TTN transcripts (percent spliced in or PSI 100%). This variant (referred to as c.87295_87296insT, p.Asn29099fs) has been detected in an individual reported to have dilated cardiomyopathy (DCM) (Haskell GT et al. Circ Cardiovasc Genet, 2017 Jun;10). This variant is considered to be rare based on population cohorts in the Genome Aggregation Database (gnomAD). This alteration is expected to result in loss of function by premature protein truncation or nonsense-mediated mRNA decay. While truncating variants in TTN are present in 1-3% of the general population, truncating variants in the A-band are the most common cause of DCM (Herman DS et al. N. Engl. J. Med., 2012 Feb;366:619-28; Roberts AM et al. Sci Transl Med, 2015 Jan;7:270ra6). TTN truncating variants encoded in constitutive exons (PSI >90%) have been found to be significantly associated with DCM regardless of their position in titin (Schafer S et al. Nat. Genet., 2017 01;49:46-53). Based on the majority of available evidence to date, this variant is likely to be pathogenic.

Literature cited by the submitters: PubMed 28611029 (cited by Labcorp Genetics (formerly Invitae), Labcorp and Ambry Genetics); PubMed 25589632 (cited by Labcorp Genetics (formerly Invitae), Labcorp); PubMed 23975875 (cited by Labcorp Genetics (formerly Invitae), Labcorp); PubMed 33432171 (cited by Ambry Genetics).

NM_001267550.2(TTN):c.87295_87296insT (p.Asn29099fs)

Genes: TTN (titin; minus strand), TTN-AS1 (TTN antisense RNA 1; plus strand). Cytogenetic location: 2q31.2.
Variant type: Insertion.
Coding change: c.87295_87296insT on transcript NM_001267550.2 (MANE Select); coding-DNA positions 87295 to 87296, T inserted.
Protein change: p.Asn29099fs; shifts the reading frame from asparagine 29099.
Molecular consequence: frameshift variant.
Genome position: GRCh38 VCF-style: chr2-178558058-T-TA. GRCh37 (hg19) VCF-style: chr2-179422785-T-TA.
Other names: c.82372_82373insT, p.Asn27458fs (NM_001256850.1); c.60100_60101insT, p.Asn20034fs (NM_003319.4); c.79591_79592insT, p.Asn26531fs (NM_133378.4); c.60475_60476insT, p.Asn20159fs (NM_133432.3); c.60676_60677insT, p.Asn20226fs (NM_133437.4); short protein forms N26531fs, N20159fs, N29099fs, N20034fs, N20226fs, N27458fs.
Identifiers: ClinVar variation 2203218 (VCV002203218.27), dbSNP rs2469555480, ClinGen allele CA2580064754.